The following is an entry in ClinVar:

ClinVar aggregate classification (germline): Pathogenic (1 of 4 stars; one submission).

Conditions:
Early-infantile DEE. Also called: Ohtahara syndrome; Early infantile epileptic encephalopathy with suppression bursts; Early infantile epileptic encephalopathy. Identifiers: Orphanet 1934, MedGen C0393706, MONDO:0800491.

Submission:

Labcorp Genetics (formerly Invitae), Labcorp
Classification: Pathogenic for Early-infantile DEE. Last evaluated: 2021-08-22. Review status: criteria provided, single submitter. Criteria: Invitae Variant Classification Sherloc (09022015). Collection method: clinical testing. Allele origin: germline.
Comment: This variant is not present in population databases (ExAC no frequency). This sequence change creates a premature translational stop signal (p.Ser570Thrfs*53) in the SCN1A gene. It is expected to result in an absent or disrupted protein product. Loss-of-function variants in SCN1A are known to be pathogenic (PMID: 17347258, 18930999). This variant has not been reported in the literature in individuals affected with SCN1A-related conditions. For these reasons, this variant has been classified as Pathogenic.

Literature cited by the submitters: PubMed 17347258; PubMed 18930999.

NM_001165963.4(SCN1A):c.1709del (p.Ser570fs)

Gene: SCN1A (sodium voltage-gated channel alpha subunit 1; minus strand). Cytogenetic location: 2q24.3.
Variant type: Deletion.
Coding change: c.1709del on transcript NM_001165963.4 (MANE Select); coding-DNA position 1709, one base deleted (G; older notation c.1709delG).
Protein change: p.Ser570fs; shifts the reading frame from serine 570.
Molecular consequence: frameshift variant. On other transcripts: 5 prime UTR variant (1), non-coding transcript variant (1).
Genome position (GRCh38, 1-based): chr2:166,044,003, C deleted on the plus strand (G on the coding strand, the reverse complement: SCN1A is on the minus strand). VCF-style (leftmost placement, unchanged base first): chr2-166044002-GC-G. GRCh37 (hg19) VCF-style: chr2-166900512-GC-G.
Other names: c.1709del, p.Ser570fs (NM_001165964.3, NM_001202435.3, NM_001353948.2 and 7 more transcripts); c.1706del, p.Ser569fs (NM_001353954.2, NM_001353955.2, NM_001353960.2); c.-717del (NM_001353961.2); short protein forms S570fs, S569fs.
Identifiers: ClinVar variation 1429492 (VCV001429492.7), dbSNP rs2105844439, ClinGen allele CA2573133538.